The following is an entry in ClinVar:

ClinVar aggregate classification (germline): Uncertain significance (1 of 4 stars; one submission).

gnomAD v4.1: 3 of 1,613,656 alleles (0.00019%); highest among the groups gnomAD compares: Admixed American, 0.0017%; no homozygotes.

Submission:

Women's Health and Genetics/Laboratory Corporation of America, LabCorp
Classification: Uncertain significance. Last evaluated: 2025-06-09. Review status: criteria provided, single submitter. Criteria: LabCorp Variant Classification Summary - May 2015. Collection method: clinical testing. Allele origin: germline.
Comment: Variant summary: CIC c.1831C>G (p.Pro611Ala) results in a non-conservative amino acid change in the encoded protein sequence. Algorithms developed to predict the effect of missense changes on protein structure and function are either unavailable or do not agree on the potential impact of this missense change. The frequency data for this variant in gnomAD is considered unreliable, as metrics indicate poor data quality at this position. To our knowledge, no occurrence of c.1831C>G in individuals affected with Mental Retardation, Autosomal Dominant 45 and no experimental evidence demonstrating its impact on protein function have been reported. No submitters have cited clinical-significance assessments for this variant to ClinVar. Based on the evidence outlined above, the variant was classified as uncertain significance.

NM_001386298.1(CIC):c.4558C>G (p.Pro1520Ala)

Gene: CIC (capicua transcriptional repressor; plus strand). Cytogenetic location: 19q13.2.
Variant type: single nucleotide variant.
Coding change: c.4558C>G on transcript NM_001386298.1 (MANE Select); coding-DNA position 4558, C replaced by G.
Protein change: p.Pro1520Ala; replaces proline 1520 with alanine.
Molecular consequence: missense variant.
Genome position (GRCh38, 1-based): chr19:42,290,599, C>G. VCF-style: chr19-42290599-C-G. GRCh37 (hg19) VCF-style: chr19-42794751-C-G.
Other names: c.4558C>G, p.Pro1520Ala (NM_001304815.2, NM_001379480.1, NM_001379482.1); c.1831C>G, p.Pro611Ala (NM_001379484.1, NM_001379485.1, NM_015125.5); short protein forms P1520A, P611A.
Identifiers: ClinVar variation 3907300 (VCV003907300.1).
Genomic context (GRCh38, chr19:42,290,599, plus strand): 5'-CTCCCAATGGATCCTGCCACCTTCCGGCGCAAGAGACCCGAAAGTGTGGGTGGCCTGGAG[C>G]CACCAGGCCCCTCAGTCATCGCGGCCCCTCCCAGCGGAGGAGGAAACATCCTGCAGACAC-3'
Protein context (NP_001373227.1, residues 1510-1530): KRPESVGGLE[Pro1520Ala]PGPSVIAAPP